The following is an entry in ClinVar:

NM_000435.3(NOTCH3):c.2226G>A (p.Pro742=)

Gene: NOTCH3 (notch receptor 3; minus strand). Cytogenetic location: 19p13.12.
Variant type: single nucleotide variant.
Coding change: c.2226G>A on transcript NM_000435.3 (MANE Select); coding-DNA position 2226, G replaced by A.
Protein change: p.Pro742=; no amino-acid change (proline 742 retained).
Molecular consequence: synonymous variant.
Genome position (GRCh38, 1-based): chr19:15,185,327, C>T on the plus strand (G>A on the coding strand, the complement: NOTCH3 is on the minus strand). VCF-style: chr19-15185327-C-T. GRCh37 (hg19) VCF-style: chr19-15296138-C-T.
Other names: p.Pro742=.
Identifiers: ClinVar variation 733471 (VCV000733471.18), dbSNP rs79471197, ClinGen allele CA9263406.

ClinVar aggregate classification (germline): Likely benign. Review status: criteria provided, multiple submitters, no conflicts (2 of 4 stars). 3 submissions from 3 submitters: Likely benign (3). Last evaluated 2025-07-14.

Allele frequency attached by ClinVar (database versions not stated): ExAC 0.00003; gnomAD exomes 0.00004; TOPMed 0.00005; gnomAD 0.00006; 1000 Genomes Project 30x 0.00016; 1000 Genomes Project 0.00020.
gnomAD v4.1: 110 of 1,612,616 alleles (0.0068%); highest among the groups gnomAD compares: Non-Finnish European, 0.0081%; no homozygotes.

Submissions (3):

Mayo Clinic Laboratories, Mayo Clinic
Classification: Likely benign. Last evaluated: 2025-07-14. Review status: criteria provided, single submitter. Criteria: ACMG Guidelines, 2015. Collection method: clinical testing. Allele origin: germline. Observed: 1 variant allele.
Comment: BS2, BP4, BP7

CeGaT Center for Human Genetics Tuebingen
Classification: Likely benign. Last evaluated: 2025-07-01. Review status: criteria provided, single submitter. Criteria: CeGaT Center For Human Genetics Tuebingen Variant Classification Criteria Version 2. Collection method: clinical testing. Allele origin: germline. Affected: yes. Observed: 1 variant allele.
Comment: NOTCH3: BP4, BP7

Labcorp Genetics (formerly Invitae), Labcorp
Classification: Likely benign. Last evaluated: 2021-10-25. Review status: criteria provided, single submitter. Criteria: Invitae Variant Classification Sherloc (09022015). Collection method: clinical testing. Allele origin: germline.